The following is an entry in ClinVar:

ClinVar aggregate classification (germline): Uncertain significance (1 of 4 stars; one submission).

Allele frequency attached by ClinVar (database versions not stated): TOPMed below 0.00001; gnomAD 0.00001.

Submission:

Labcorp Genetics (formerly Invitae), Labcorp
Classification: Uncertain significance. Last evaluated: 2023-10-04. Review status: criteria provided, single submitter. Criteria: Invitae Variant Classification Sherloc (09022015). Collection method: clinical testing. Allele origin: germline.
Comment: This sequence change replaces asparagine, which is neutral and polar, with serine, which is neutral and polar, at codon 598 of the MKL1 protein (p.Asn598Ser). This variant is not present in population databases (gnomAD no frequency). This variant has not been reported in the literature in individuals affected with MKL1-related conditions. Algorithms developed to predict the effect of missense changes on protein structure and function output the following: SIFT: "Not Available"; PolyPhen-2: "Benign"; Align-GVGD: "Not Available". The serine amino acid residue is found in multiple mammalian species, which suggests that this missense change does not adversely affect protein function. In summary, the available evidence is currently insufficient to determine the role of this variant in disease. Therefore, it has been classified as a Variant of Uncertain Significance.

NM_020831.6(MRTFA):c.2093A>G (p.Asn698Ser)

Gene: MRTFA (myocardin related transcription factor A; minus strand). Cytogenetic location: 22q13.1.
Variant type: single nucleotide variant.
Coding change: c.2093A>G on transcript NM_020831.6 (MANE Select); coding-DNA position 2093, A replaced by G.
Protein change: p.Asn698Ser; replaces asparagine 698 with serine.
Molecular consequence: missense variant.
Genome position (GRCh38, 1-based): chr22:40,418,645, T>C on the plus strand (A>G on the coding strand, the complement: MRTFA is on the minus strand). VCF-style: chr22-40418645-T-C. GRCh37 (hg19) VCF-style: chr22-40814649-T-C.
Other names: c.1793A>G, p.Asn598Ser (NM_001282660.2); c.1943A>G, p.Asn648Ser (NM_001282661.3); c.2093A>G, p.Asn698Ser (NM_001282662.3); c.1898A>G, p.Asn633Ser (NM_001318139.2); short protein forms N633S, N698S, N598S, N648S.
Identifiers: ClinVar variation 2879955 (VCV002879955.3), dbSNP rs1293757008, ClinGen allele CA411658434.